The following is an entry in ClinVar:

ClinVar aggregate classification (germline): Likely pathogenic. Review status: criteria provided, single submitter (1 of 4 stars). 2 submissions from 1 submitter: Likely pathogenic (1). 1 of the submissions does not count toward it. Last evaluated 2016-01-01.

Conditions:
Hypomaturation-hypoplastic amelogenesis imperfecta with taurodontism. Also called: Amelogenesis imperfecta, type IV. Identifiers: Orphanet 100034, Orphanet 88661, MedGen C1863012, MONDO:0007093, OMIM 104510. Disease mechanism: loss of function.
Peripheral pulmonary artery stenosis. Identifiers: MedGen C0345030, HP:0004969.
Amelogenesis imperfecta (AI). Also called: Congenital enamel hypoplasia. Identifiers: Orphanet 88661, MedGen C0002452, MONDO:0019507, HP:0000705.

Submissions (2):

Centre for Mendelian Genomics, University Medical Centre Ljubljana
Classification: Likely pathogenic for Hypomaturation-hypoplastic amelogenesis imperfecta with taurodontism. Last evaluated: 2016-01-01. Review status: criteria provided, single submitter. Criteria: ACMG Guidelines, 2015. Collection method: clinical testing. Allele origin: unknown. Affected: yes.
Comment: This variant was classified as: Likely pathogenic.

Centre for Mendelian Genomics, University Medical Centre Ljubljana
Classification: Likely pathogenic for Amelogenesis imperfecta; Peripheral pulmonary artery stenosis. Last evaluated: 2016-06-10. Review status: no assertion criteria provided. Collection method: clinical testing. Allele origin: unknown. Affected: yes. Not counted in ClinVar's aggregate classification.

NM_005220.3(DLX3):c.574dup (p.Glu192fs)

Gene: DLX3 (distal-less homeobox 3; minus strand). Cytogenetic location: 17q21.33.
Variant type: Duplication.
Coding change: c.574dup on transcript NM_005220.3 (MANE Select); coding-DNA position 574, one base duplicated (G; older notation c.574dupG).
Protein change: p.Glu192fs; shifts the reading frame from glutamic acid 192.
Molecular consequence: frameshift variant.
Genome position (GRCh38, 1-based): chr17:49,991,807, C duplicated on the plus strand (G on the coding strand, the reverse complement: DLX3 is on the minus strand); the first of 4 consecutive C bases (chr17:49,991,807-49,991,810); duplicating any one gives the same sequence. VCF-style (leftmost placement, unchanged base first): chr17-49991806-T-TC. GRCh37 (hg19) VCF-style: chr17-48069170-T-TC.
Other names: short protein forms E192fs.
Identifiers: ClinVar variation 373912 (VCV000373912.4), dbSNP rs1057518764, ClinGen allele CA16043533.